The following is an entry in ClinVar:

NM_172362.3(KCNH1):c.2421G>A (p.Gly807=)

Gene: KCNH1 (potassium voltage-gated channel subfamily H member 1; minus strand). Cytogenetic location: 1q32.2.
Variant type: single nucleotide variant.
Coding change: c.2421G>A on transcript NM_172362.3 (MANE Select); coding-DNA position 2421, G replaced by A.
Protein change: p.Gly807=; no amino-acid change (glycine 807 retained).
Molecular consequence: synonymous variant.
Genome position (GRCh38, 1-based): chr1:210,683,830, C>T on the plus strand (G>A on the coding strand, the complement: KCNH1 is on the minus strand). VCF-style: chr1-210683830-C-T. GRCh37 (hg19) VCF-style: chr1-210857172-C-T.
Other names: c.2340G>A, p.Gly780= (NM_002238.4).
Identifiers: ClinVar variation 1553799 (VCV001553799.10), dbSNP rs751537005, ClinGen allele CA1379668.

ClinVar aggregate classification (germline): Likely benign. Review status: criteria provided, multiple submitters, no conflicts (2 of 4 stars). 2 submissions from 2 submitters: Likely benign (2). Last evaluated 2026-05-01.

Allele frequency attached by ClinVar (database versions not stated): gnomAD exomes 0.00001 and 0.00002; ExAC 0.00002; TOPMed 0.00002; gnomAD 0.00003 and 0.00004.
gnomAD v4.1: 14 of 1,614,022 alleles (0.00087%); highest among the groups gnomAD compares: Admixed American, 0.022%; no homozygotes.

Submissions (2):

CeGaT Center for Human Genetics Tuebingen
Classification: Likely benign. Last evaluated: 2026-05-01. Review status: criteria provided, single submitter. Criteria: CeGaT Center For Human Genetics Tuebingen Variant Classification Criteria Version 2. Collection method: clinical testing. Allele origin: germline. Affected: yes. Observed: 1 variant allele.
Comment: KCNH1: BP4, BP7

Labcorp Genetics (formerly Invitae), Labcorp
Classification: Likely benign. Last evaluated: 2025-06-18. Review status: criteria provided, single submitter. Criteria: Invitae Variant Classification Sherloc (09022015). Collection method: clinical testing. Allele origin: germline.